The following is an entry in ClinVar:

ClinVar aggregate classification (germline): Likely benign. Review status: criteria provided, multiple submitters, no conflicts (2 of 4 stars). 3 submissions from 3 submitters: Likely benign (3). Last evaluated 2026-01-13.

Conditions:
Primary ciliary dyskinesia. Also called: Ciliary dyskinesia. Identifiers: Orphanet 244, MedGen C0008780, MONDO:0016575, HP:0012265.
RPGR-related disorder. Also called: RPGR-related condition.

Allele frequency attached by ClinVar (database versions not stated): gnomAD 0.00005; ExAC 0.00018.

Submissions (3):

Labcorp Genetics (formerly Invitae), Labcorp
Classification: Likely benign for Primary ciliary dyskinesia. Last evaluated: 2026-01-13. Review status: criteria provided, single submitter. Criteria: Invitae Variant Classification Sherloc (09022015). Collection method: clinical testing. Allele origin: germline.

PreventionGenetics, part of Exact Sciences
Classification: Likely benign for RPGR-related condition. Last evaluated: 2025-08-07. Review status: criteria provided, single submitter. Criteria: ACMG Guidelines, 2015. Collection method: clinical testing. Allele origin: germline.
Comment: This variant is classified as likely benign based on ACMG/AMP sequence variant interpretation guidelines (Richards et al. 2015 PMID: 25741868, with internal and published modifications).

Blueprint Genetics
Classification: Likely benign. Last evaluated: 2024-09-06. Review status: criteria provided, single submitter. Criteria: ACMG Guidelines, 2015. Collection method: clinical testing. Allele origin: germline.

NM_001034853.2(RPGR):c.2565A>G (p.Glu855=)

Gene: RPGR (retinitis pigmentosa GTPase regulator; minus strand). Cytogenetic location: Xp11.4.
Variant type: single nucleotide variant.
Coding change: c.2565A>G on transcript NM_001034853.2 (MANE Select); coding-DNA position 2565, A replaced by G.
Protein change: p.Glu855=; no amino-acid change (glutamic acid 855 retained).
Molecular consequence: synonymous variant. On other transcripts: intron variant (8).
Genome position (GRCh38, 1-based): chrX:38,286,434, T>C on the plus strand (A>G on the coding strand, the complement: RPGR is on the minus strand). VCF-style: chrX-38286434-T-C. GRCh37 (hg19) VCF-style: chrX-38145687-T-C.
Other names: c.2565A>G (NM_001034853.1); c.1569+4525A>G (NM_001367249.1, NM_001367250.1); c.1902+660A>G (NM_001367245.1); c.1386+4525A>G (NM_001367251.1); c.1719+660A>G (NM_001367246.1); c.1572+4525A>G (NM_001367247.1); c.1905+660A>G (NM_000328.3); c.1602+4525A>G (NM_001367248.1).
Identifiers: ClinVar variation 1964008 (VCV001964008.7), dbSNP rs748831947, ClinGen allele CA10385265.